The following is an entry in ClinVar:

ClinVar aggregate classification (germline): Uncertain significance (1 of 4 stars; one submission).

Allele frequency attached by ClinVar (database versions not stated): TOPMed below 0.00001.

Submission:

Labcorp Genetics (formerly Invitae), Labcorp
Classification: Uncertain significance. Last evaluated: 2022-11-08. Review status: criteria provided, single submitter. Criteria: Invitae Variant Classification Sherloc (09022015). Collection method: clinical testing. Allele origin: germline.
Comment: In summary, the available evidence is currently insufficient to determine the role of this variant in disease. Therefore, it has been classified as a Variant of Uncertain Significance. Algorithms developed to predict the effect of sequence changes on RNA splicing suggest that this variant may disrupt the consensus splice site. This variant has not been reported in the literature in individuals affected with COL4A2-related conditions. This variant is not present in population databases (gnomAD no frequency). This sequence change falls in intron 7 of the COL4A2 gene. It does not directly change the encoded amino acid sequence of the COL4A2 protein.

NM_001846.4(COL4A2):c.477+7A>G

Gene: COL4A2 (collagen type IV alpha 2 chain; plus strand). Cytogenetic location: 13q34.
Variant type: single nucleotide variant.
Coding change: c.477+7A>G on transcript NM_001846.4 (MANE Select); 7 bases into the intron after coding-DNA position 477, A replaced by G.
Molecular consequence: intron variant.
Genome position (GRCh38, 1-based): chr13:110,428,590, A>G. VCF-style: chr13-110428590-A-G. GRCh37 (hg19) VCF-style: chr13-111080937-A-G.
Identifiers: ClinVar variation 2100298 (VCV002100298.4), dbSNP rs1178404132, ClinGen allele CA695035958.